The following is an entry in ClinVar:

ClinVar aggregate classification (germline): Benign. Review status: criteria provided, multiple submitters, no conflicts (2 of 4 stars). 2 submissions from 2 submitters: Benign (2). Last evaluated 2018-01-13.

Conditions:
Hypogonadotropic hypogonadism 7 with or without anosmia (HH7). Also called: HYPOGONADOTROPIC HYPOGONADISM 7 WITHOUT ANOSMIA; GNRHR-Related GnRH Deficiency. Identifiers: Orphanet 432, MedGen C0342384, MONDO:0007794, OMIM 146110.

Allele frequency attached by ClinVar (database versions not stated): gnomAD exomes 0.12500; 1000 Genomes Project 0.18590; 1000 Genomes Project 30x 0.19097; gnomAD 0.22831 and 0.23467; TOPMed 0.23287.
gnomAD v4.1: 34,824 of 151,886 alleles (23%); highest among the groups gnomAD compares: Middle Eastern, 30%; 4,107 homozygotes.

Submissions (2):

Illumina Laboratory Services, Illumina
Classification: Benign for Hypogonadotropic hypogonadism 7 with or without anosmia. Last evaluated: 2018-01-13. Review status: criteria provided, single submitter. Criteria: ICSL Variant Classification Criteria 13 December 2019. Collection method: clinical testing. Allele origin: germline.
Comment: This variant was observed in the ICSL laboratory as part of a predisposition screen in an ostensibly healthy population. It had not been previously curated by ICSL or reported in the Human Gene Mutation Database (HGMD: prior to June 1st, 2018), and was therefore a candidate for classification through an automated scoring system. Utilizing variant allele frequency, disease prevalence and penetrance estimates, and inheritance mode, an automated score was calculated to assess if this variant is too frequent to cause the disease. Based on the score and internal cut-off values, a variant classified as benign is not then subjected to further curation. The score for this variant resulted in a classification of benign for this disease.

Breakthrough Genomics
Classification: Benign. Review status: criteria provided, single submitter. Criteria: ACMG Guidelines, 2015. Collection method: not provided. Allele origin: germline. Inheritance: Autosomal recessive inheritance. Affected: yes.

NM_000406.3(GNRHR):c.*802G>C

Gene: GNRHR (gonadotropin releasing hormone receptor; minus strand). Cytogenetic location: 4q13.2.
Variant type: single nucleotide variant.
Coding change: c.*802G>C on transcript NM_000406.3 (MANE Select); 802 bases downstream of the stop codon, G replaced by C.
Molecular consequence: 3 prime UTR variant.
Genome position (GRCh38, 1-based): chr4:67,739,678, C>G on the plus strand (G>C on the coding strand, the complement: GNRHR is on the minus strand). VCF-style: chr4-67739678-C-G. GRCh37 (hg19) VCF-style: chr4-68605396-C-G.
Other names: c.*911G>C (NM_001012763.2).
Identifiers: ClinVar variation 349446 (VCV000349446.6), dbSNP rs35610027, ClinGen allele CA10619073.